The following is an entry in ClinVar:

ClinVar aggregate classification (germline): Uncertain significance (1 of 4 stars; one submission).

Conditions:
Spastic paraplegia. Identifiers: MedGen C0037772, HP:0001258.

Submission:

Labcorp Genetics (formerly Invitae), Labcorp
Classification: Uncertain significance for Spastic paraplegia. Last evaluated: 2022-08-01. Review status: criteria provided, single submitter. Criteria: Invitae Variant Classification Sherloc (09022015). Collection method: clinical testing. Allele origin: germline.
Comment: In summary, the available evidence is currently insufficient to determine the role of this variant in disease. Therefore, it has been classified as a Variant of Uncertain Significance. Algorithms developed to predict the effect of missense changes on protein structure and function output the following: SIFT: "Tolerated"; PolyPhen-2: "Benign"; Align-GVGD: "Class C0". The leucine amino acid residue is found in multiple mammalian species, which suggests that this missense change does not adversely affect protein function. This sequence change replaces valine, which is neutral and non-polar, with leucine, which is neutral and non-polar, at codon 896 of the AP4E1 protein (p.Val896Leu). This variant is not present in population databases (gnomAD no frequency). This variant has not been reported in the literature in individuals affected with AP4E1-related conditions.

NM_007347.5(AP4E1):c.2686G>C (p.Val896Leu)

Gene: AP4E1 (adaptor related protein complex 4 subunit epsilon 1; plus strand). Cytogenetic location: 15q21.2.
Variant type: single nucleotide variant.
Coding change: c.2686G>C on transcript NM_007347.5 (MANE Select); coding-DNA position 2686, G replaced by C.
Protein change: p.Val896Leu; replaces valine 896 with leucine.
Molecular consequence: missense variant.
Genome position (GRCh38, 1-based): chr15:50,997,665, G>C. VCF-style: chr15-50997665-G-C. GRCh37 (hg19) VCF-style: chr15-51289862-G-C.
Other names: c.2461G>C, p.Val821Leu (NM_001252127.2); short protein forms V896L, V821L.
Identifiers: ClinVar variation 1958266 (VCV001958266.5), dbSNP rs1327754211, ClinGen allele CA392420513.